The following is an entry in ClinVar:

NM_003041.4(SLC5A2):c.1079G>A (p.Gly360Asp)

Gene: SLC5A2 (solute carrier family 5 member 2; plus strand). Cytogenetic location: 16p11.2.
Variant type: single nucleotide variant.
Coding change: c.1079G>A on transcript NM_003041.4 (MANE Select); coding-DNA position 1079, G replaced by A.
Protein change: p.Gly360Asp; replaces glycine 360 with aspartic acid.
Molecular consequence: missense variant. On other transcripts: non-coding transcript variant (1).
Genome position (GRCh38, 1-based): chr16:31,488,440, G>A. VCF-style: chr16-31488440-G-A. GRCh37 (hg19) VCF-style: chr16-31499761-G-A.
Other names: short protein forms G360D.
Identifiers: ClinVar variation 5021049 (VCV005021049.1).

ClinVar aggregate classification (germline): Uncertain significance (1 of 4 stars; one submission).

gnomAD v4.1: 2 of 1,611,542 alleles (0.00012%); highest among the groups gnomAD compares: Admixed American, 0.0017%; no homozygotes.

Submission:

Dasa
Classification: Uncertain significance. Last evaluated: 2024-11-08. Review status: criteria provided, single submitter. Criteria: DASA Assertion Criteria. Collection method: clinical testing. Allele origin: germline.
Comment: NM_003041.4(SLC5A2):c.1079G>A (p.Gly360Asp) is a missense variant that results in the substitution of glycine with aspartic acid. This variant has been observed in affected individuals with SLC5A2-related disorders. Also, this variant is rare in population databases. Computational prediction algorithms are consistent with a deleterious effect. The currently available literature and clinical evidence are not sufficient to establish a definitive association between this variant and the reported condition. Therefore, this variant is classified as a variant of uncertain significance.